The following is an entry in ClinVar:

NM_000552.5(VWF):c.5843-8C>G

Gene: VWF (von Willebrand factor; minus strand). Cytogenetic location: 12p13.31.
Variant type: single nucleotide variant.
Coding change: c.5843-8C>G on transcript NM_000552.5 (MANE Select); 8 bases into the intron before coding-DNA position 5843, C replaced by G.
Molecular consequence: intron variant.
Genome position (GRCh38, 1-based): chr12:5,996,230, G>C on the plus strand (C>G on the coding strand, the complement: VWF is on the minus strand). VCF-style: chr12-5996230-G-C. GRCh37 (hg19) VCF-style: chr12-6105396-G-C.
Other names: p.?.
Identifiers: ClinVar variation 619939 (VCV000619939.22), dbSNP rs34444862, ClinGen allele CA6402138.

ClinVar aggregate classification (germline): Benign/Likely benign. Review status: criteria provided, multiple submitters, no conflicts (2 of 4 stars). 8 submissions from 8 submitters: Benign (2); Likely benign (3). 3 of the submissions do not count toward it. Last evaluated 2025-12-18.

Conditions:
Hereditary von Willebrand disease. Identifiers: Orphanet 903, MedGen C5703318, MONDO:0019565. Inheritance: Autosomal recessive or Autosomal dominant.

Allele frequency attached by ClinVar (database versions not stated): 1000 Genomes Project 30x 0.00500; 1000 Genomes Project 0.00579; gnomAD exomes 0.01140; TOPMed 0.01176; gnomAD 0.01242 and 0.01303; ExAC 0.01545; ESP Exome Variant Server 0.01592.
gnomAD v4.1: 29,751 of 1,606,738 alleles (1.9%); highest among the groups gnomAD compares: Non-Finnish European, 2.3%; 336 homozygotes.

Submissions (15):

Mayo Clinic Laboratories, Mayo Clinic
Classification: Likely benign. Last evaluated: 2025-12-18. Review status: criteria provided, single submitter. Criteria: ACMG Guidelines, 2015. Collection method: clinical testing. Allele origin: germline. Observed: 28 variant alleles.
Comment: BS1, BP4

Quest Diagnostics Nichols Institute San Juan Capistrano
Classification: Benign. Last evaluated: 2025-11-06. Review status: criteria provided, single submitter. Criteria: Quest Diagnostics criteria. Collection method: clinical testing. Allele origin: unknown.

ARUP Laboratories, Molecular Genetics and Genomics, ARUP Laboratories
Classification: Benign. Last evaluated: 2025-07-10. Review status: criteria provided, single submitter. Criteria: ARUP Molecular Germline Variant Investigation Process 2024. Collection method: clinical testing. Allele origin: germline.

Illumina Laboratory Services, Illumina
Classification: Likely benign for von Willebrand disorder. Last evaluated: 2018-01-17. Review status: criteria provided, single submitter. Criteria: ICSL Variant Classification Criteria 13 December 2019. Collection method: clinical testing. Allele origin: germline.
Comment: This variant was observed as part of a predisposition screen in an ostensibly healthy population. A literature search was performed for the gene, cDNA change, and amino acid change (where applicable). Publications were found based on this search. The evidence from the literature, in combination with allele frequency data from public databases where available, was sufficient to determine this variant is unlikely to cause disease. Therefore, this variant is classified as likely benign.

Breakthrough Genomics
Classification: Likely benign. Review status: criteria provided, single submitter. Criteria: ACMG Guidelines, 2015. Collection method: not provided. Allele origin: germline. Inheritance: Autosomal recessive inheritance. Affected: yes.

Dr. Peter K. Rogan Lab, Western University
No classification provided (evidence only). Condition: Lung cancer. Review status: no classification provided. Collection method: in vitro. Allele origin: not applicable. Functional consequence: retained intron. Not counted in ClinVar's aggregate classification.

Dr. Peter K. Rogan Lab, Western University
No classification provided (evidence only). Condition: Lung cancer. Review status: no classification provided. Collection method: in vitro. Allele origin: not applicable. Functional consequence: skipped exon, retained intron. Not counted in ClinVar's aggregate classification.

Dr. Peter K. Rogan Lab, Western University
No classification provided (evidence only). Condition: Acute myeloid leukemia. Review status: no classification provided. Collection method: in vitro. Allele origin: not applicable. Functional consequence: retained intron. Not counted in ClinVar's aggregate classification.

Dr. Peter K. Rogan Lab, Western University
No classification provided (evidence only). Condition: Cervical cancer. Review status: no classification provided. Collection method: in vitro. Allele origin: not applicable. Functional consequence: retained intron. Not counted in ClinVar's aggregate classification.

Dr. Peter K. Rogan Lab, Western University
No classification provided (evidence only). Condition: Cervical cancer. Review status: no classification provided. Collection method: in vitro. Allele origin: not applicable. Functional consequence: retained intron. Not counted in ClinVar's aggregate classification.

Dr. Peter K. Rogan Lab, Western University
No classification provided (evidence only). Condition: Sarcoma. Review status: no classification provided. Collection method: in vitro. Allele origin: not applicable. Functional consequence: retained intron. Not counted in ClinVar's aggregate classification.

Dr. Peter K. Rogan Lab, Western University
No classification provided (evidence only). Condition: Thymoma. Review status: no classification provided. Collection method: in vitro. Allele origin: not applicable. Functional consequence: retained intron. Not counted in ClinVar's aggregate classification.

Genome Diagnostics Laboratory, University Medical Center Utrecht
Classification: Benign. Review status: no assertion criteria provided. Collection method: clinical testing. Allele origin: germline. Affected: yes. Study: VKGL Data-share Consensus. Not counted in ClinVar's aggregate classification.

Joint Genome Diagnostic Labs from Nijmegen and Maastricht, Radboudumc and MUMC+
Classification: Benign. Review status: no assertion criteria provided. Collection method: clinical testing. Allele origin: germline. Affected: yes. Study: VKGL Data-share Consensus. Not counted in ClinVar's aggregate classification.

Laboratory of Diagnostic Genome Analysis, Leiden University Medical Center (LUMC)
Classification: Likely benign. Review status: no assertion criteria provided. Collection method: clinical testing. Allele origin: germline. Affected: yes. Study: VKGL Data-share Consensus. Not counted in ClinVar's aggregate classification.

Literature cited by the submitters: PubMed 18841300 (cited by Quest Diagnostics Nichols Institute San Juan Capistrano and Illumina Laboratory Services, Illumina); PubMed 20492463 (cited by Quest Diagnostics Nichols Institute San Juan Capistrano and Illumina Laboratory Services, Illumina); PubMed 21362127 (cited by Quest Diagnostics Nichols Institute San Juan Capistrano).